The following is an entry in ClinVar:

ClinVar aggregate classification (germline): Uncertain significance (1 of 4 stars; one submission).

Conditions:
Hereditary cancer-predisposing syndrome. Also called: Hereditary neoplastic syndrome; Neoplastic Syndromes, Hereditary; Tumor predisposition; Hereditary Cancer Syndrome. Identifiers: Orphanet 140162, MedGen C0027672, MeSH D009386, MONDO:0015356.

Submission:

Ambry Genetics
Classification: Uncertain significance for Hereditary cancer-predisposing syndrome. Last evaluated: 2025-09-04. Review status: criteria provided, single submitter. Criteria: Ambry Variant Classification Scheme 2023. Collection method: clinical testing. Allele origin: germline.
Comment: The p.H1041D variant (also known as c.3121C>G), located in coding exon 20 of the RAD50 gene, results from a C to G substitution at nucleotide position 3121. The histidine at codon 1041 is replaced by aspartic acid, an amino acid with similar properties. This amino acid position is conserved. In addition, this alteration is predicted to be tolerated by in silico analysis. Based on the available evidence, the clinical significance of this variant remains unclear.

NM_005732.4(RAD50):c.3121C>G (p.His1041Asp)

Gene: RAD50 (RAD50 double strand break repair protein; plus strand). Cytogenetic location: 5q31.1.
Variant type: single nucleotide variant.
Coding change: c.3121C>G on transcript NM_005732.4 (MANE Select); coding-DNA position 3121, C replaced by G.
Protein change: p.His1041Asp; replaces histidine 1041 with aspartic acid.
Molecular consequence: missense variant.
Genome position (GRCh38, 1-based): chr5:132,616,087, C>G. VCF-style: chr5-132616087-C-G. GRCh37 (hg19) VCF-style: chr5-131951779-C-G.
Other names: short protein forms H1041D.
Identifiers: ClinVar variation 4149742 (VCV004149742.1).